The following is an entry in ClinVar:

NM_000535.7(PMS2):c.252T>G (p.Thr84=)

Gene: PMS2 (PMS1 homolog 2, mismatch repair system component; minus strand). Cytogenetic location: 7p22.1.
Variant type: single nucleotide variant.
Coding change: c.252T>G on transcript NM_000535.7 (MANE Select); coding-DNA position 252, T replaced by G.
Protein change: p.Thr84=; no amino-acid change (threonine 84 retained).
Molecular consequence: synonymous variant. On other transcripts: 5 prime UTR variant (35), non-coding transcript variant (1), intron variant (11).
Genome position (GRCh38, 1-based): chr7:6,003,791, A>C on the plus strand (T>G on the coding strand, the complement: PMS2 is on the minus strand). VCF-style: chr7-6003791-A-C. GRCh37 (hg19) VCF-style: chr7-6043422-A-C.
Other names: c.-154T>G (NM_001018040.1, NM_001322003.2, NM_001322004.2 and 14 more transcripts); c.252T>G, p.Thr84= (NM_001322006.2, NM_001322014.2, NM_001406869.1 and 8 more transcripts); c.-633T>G (NM_001322011.2, NM_001322012.2); c.-233T>G (NM_001322015.2, NM_001406875.1, NM_001406877.1 and 3 more transcripts); c.438T>G, p.Thr146= (NM_001406866.1); c.276T>G, p.Ala92= (NM_001406868.1); c.-180T>G (NM_001406880.1); c.-101T>G (NM_001406888.1, NM_001406889.1, NM_001406892.1 and 6 more transcripts); and 5 more.
Identifiers: ClinVar variation 1792687 (VCV001792687.8), dbSNP rs2128827696, ClinGen allele CA453648010.

ClinVar aggregate classification (germline): Benign/Likely benign. Review status: criteria provided, multiple submitters, no conflicts (2 of 4 stars). 3 submissions from 3 submitters: Benign (1); Likely benign (2). Last evaluated 2025-09-11.

Conditions:
Hereditary cancer-predisposing syndrome. Also called: Tumor predisposition; Hereditary Cancer Syndrome; Neoplastic Syndromes, Hereditary; Hereditary neoplastic syndrome. Identifiers: Orphanet 140162, MedGen C0027672, MeSH D009386, MONDO:0015356.
Hereditary nonpolyposis colorectal neoplasms. Identifiers: MedGen C0009405, MeSH D003123.
Lynch syndrome 4 (LYNCH4). Also called: Colorectal cancer, hereditary nonpolyposis, type 4; Hereditary non-polyposis colorectal cancer, type 4. Identifiers: Orphanet 144, MedGen C1838333, MONDO:0013699, OMIM 614337. Disease mechanism: loss of function.

Submissions (3):

Labcorp Genetics (formerly Invitae), Labcorp
Classification: Likely benign for Hereditary nonpolyposis colorectal neoplasms. Last evaluated: 2025-09-11. Review status: criteria provided, single submitter. Criteria: Invitae Variant Classification Sherloc (09022015). Collection method: clinical testing. Allele origin: germline.

Myriad Genetics, Inc.
Classification: Benign for Lynch syndrome 4. Last evaluated: 2025-01-24. Review status: criteria provided, single submitter. Criteria: Myriad Autosomal Dominant, Autosomal Recessive and X-Linked Classification Criteria (2023). Collection method: clinical testing. Allele origin: unknown.
Comment: This variant is considered benign. This variant is a silent/synonymous amino acid change and it is not expected to impact splicing.

Ambry Genetics
Classification: Likely benign for Hereditary cancer-predisposing syndrome. Last evaluated: 2014-08-08. Review status: criteria provided, single submitter. Criteria: Ambry Variant Classification Scheme 2023. Collection method: clinical testing. Allele origin: germline.